The following is an entry in ClinVar:

ClinVar aggregate classification (germline): Pathogenic. Review status: criteria provided, single submitter (1 of 4 stars). 2 submissions from 2 submitters: Pathogenic (1). 1 of the submissions does not count toward it. Last evaluated 2023-12-31.

Conditions:
Rare genetic intellectual disability. Identifiers: Orphanet 183757, MedGen C5680527.

Submissions (2):

Labcorp Genetics (formerly Invitae), Labcorp
Classification: Pathogenic. Last evaluated: 2023-12-31. Review status: criteria provided, single submitter. Criteria: Invitae Variant Classification Sherloc (09022015). Collection method: clinical testing. Allele origin: germline.
Comment: This sequence change creates a premature translational stop signal (p.Gln2176Serfs*17) in the ARID1B gene. While this is not anticipated to result in nonsense mediated decay, it is expected to disrupt the last 74 amino acid(s) of the ARID1B protein. This variant is not present in population databases (gnomAD no frequency). This variant has not been reported in the literature in individuals affected with ARID1B-related conditions. ClinVar contains an entry for this variant (Variation ID: 978388). This variant disrupts a region of the ARID1B protein in which other variant(s) (p.Ser2311*) have been determined to be pathogenic (PMID: 31981384). This suggests that this is a clinically significant region of the protein, and that variants that disrupt it are likely to be disease-causing. For these reasons, this variant has been classified as Pathogenic.

Service de Génétique Moléculaire, Hôpital Robert Debré
Classification: Likely pathogenic for Rare genetic intellectual disability. Review status: no assertion criteria provided. Collection method: clinical testing. Allele origin: de novo. Affected: yes. Not counted in ClinVar's aggregate classification.

Literature cited by the submitters: PubMed 31981384 (cited by Labcorp Genetics (formerly Invitae), Labcorp).

NM_001374828.1(ARID1B):c.6895del (p.Gln2299fs)

Gene: ARID1B (AT-rich interaction domain 1B; plus strand). Cytogenetic location: 6q25.3.
Variant type: Deletion.
Coding change: c.6895del on transcript NM_001374828.1 (MANE Select); coding-DNA position 6895, one base deleted (C; older notation c.6895delC).
Protein change: p.Gln2299fs; shifts the reading frame from glutamine 2299.
Molecular consequence: frameshift variant.
Genome position (GRCh38, 1-based): chr6:157,207,667, C deleted; the last of 2 consecutive C bases (chr6:157,207,666-157,207,667); deleting either gives the same sequence. VCF-style (leftmost placement, unchanged base first): chr6-157207665-GC-G. GRCh37 (hg19) VCF-style: chr6-157528799-GC-G.
Other names: c.6646delC (NM_001346813.1); c.4396del, p.Gln1466fs (NM_001363725.2); c.6775del, p.Gln2259fs (NM_001371656.1, NM_001374820.1); c.6736del, p.Gln2246fs (NM_017519.3); short protein forms Q1466fs, Q2246fs, Q2259fs, Q2299fs.
Identifiers: ClinVar variation 978388 (VCV000978388.4), dbSNP rs1794569741, ClinGen allele CA1139659349.
Genomic context (GRCh38, chr6:157,207,665, plus strand): 5'-GCATTGGAAACTTGATAAGCTTCCTAGAGGATGGGGTCACGATGGCCCAGTACCAGCAGA[GC>G]CAGCACAACCTCATGCACATGCAGCCCCCGCCCCTGGAACCACCTAGCGTAGACATGATG-3'